The following is an entry in ClinVar:

ClinVar aggregate classification (germline): Uncertain significance (1 of 4 stars; one submission).

gnomAD v4.1: 5 of 1,614,072 alleles (0.00031%); highest among the groups gnomAD compares: Non-Finnish European, 0.00042%; no homozygotes.

Submission:

Ambry Genetics
Classification: Uncertain significance. Last evaluated: 2024-03-27. Review status: criteria provided, single submitter. Criteria: Ambry Variant Classification Scheme 2023. Collection method: clinical testing. Allele origin: germline.
Comment: The p.P826R variant (also known as c.2477C>G), located in coding exon 4 of the ALPK2 gene, results from a C to G substitution at nucleotide position 2477. The proline at codon 826 is replaced by arginine, an amino acid with dissimilar properties. This amino acid position is conserved. In addition, this alteration is predicted to be tolerated by in silico analysis. Since supporting evidence is limited at this time, the clinical significance of this alteration remains unclear.

NM_052947.4(ALPK2):c.2477C>G (p.Pro826Arg)

Gene: ALPK2 (alpha kinase 2; minus strand). Cytogenetic location: 18q21.31.
Variant type: single nucleotide variant.
Coding change: c.2477C>G on transcript NM_052947.4 (MANE Select); coding-DNA position 2477, C replaced by G.
Protein change: p.Pro826Arg; replaces proline 826 with arginine.
Molecular consequence: missense variant.
Genome position (GRCh38, 1-based): chr18:58,537,710, G>C on the plus strand (C>G on the coding strand, the complement: ALPK2 is on the minus strand). VCF-style: chr18-58537710-G-C. GRCh37 (hg19) VCF-style: chr18-56204942-G-C.
Other names: short protein forms P826R.
Identifiers: ClinVar variation 1791849 (VCV001791849.2), dbSNP rs768618719, ClinGen allele CA402570447.